The following is an entry in ClinVar:

ClinVar aggregate classification (germline): Uncertain significance (1 of 4 stars; one submission).

Submission:

Labcorp Genetics (formerly Invitae), Labcorp
Classification: Uncertain significance. Last evaluated: 2025-07-08. Review status: criteria provided, single submitter. Criteria: Invitae Variant Classification Sherloc (09022015). Collection method: clinical testing. Allele origin: germline.
Comment: This sequence change replaces glycine, which is neutral and non-polar, with aspartic acid, which is acidic and polar, at codon 329 of the AMER1 protein (p.Gly329Asp). This variant is not present in population databases (gnomAD no frequency). This variant has not been reported in the literature in individuals affected with AMER1-related conditions. An algorithm developed to predict the effect of missense changes on protein structure and function (PolyPhen-2) suggests that this variant is likely to be disruptive. In summary, the available evidence is currently insufficient to determine the role of this variant in disease. Therefore, it has been classified as a Variant of Uncertain Significance.

NM_152424.4(AMER1):c.986G>A (p.Gly329Asp)

Gene: AMER1 (APC membrane recruitment protein 1; minus strand). Cytogenetic location: Xq11.2.
Variant type: single nucleotide variant.
Coding change: c.986G>A on transcript NM_152424.4 (MANE Select); coding-DNA position 986, G replaced by A.
Protein change: p.Gly329Asp; replaces glycine 329 with aspartic acid.
Molecular consequence: missense variant.
Genome position (GRCh38, 1-based): chrX:64,192,301, C>T on the plus strand (G>A on the coding strand, the complement: AMER1 is on the minus strand). VCF-style: chrX-64192301-C-T. GRCh37 (hg19) VCF-style: chrX-63412181-C-T.
Other names: short protein forms G329D.
Identifiers: ClinVar variation 4722437 (VCV004722437.1).